The following is an entry in ClinVar:

ClinVar aggregate classification (germline): Likely pathogenic (1 of 4 stars; one submission).

Conditions:
Deficiency of alpha-mannosidase (MANSA). Also called: Mannosidosis, alpha-, types I and II; Alpha-Mannosidosis; LYSOSOMAL ALPHA-D-MANNOSIDASE DEFICIENCY. Identifiers: Orphanet 61, MedGen C0024748, MONDO:0009561, OMIM 248500.

Allele frequency attached by ClinVar (database versions not stated): gnomAD exomes below 0.00001.

Submission:

Myriad Genetics, Inc.
Classification: Likely pathogenic for Deficiency of alpha-mannosidase. Last evaluated: 2019-04-28. Review status: criteria provided, single submitter. Criteria: Myriad Women's Health Autosomal Recessive and X-Linked Classification Criteria (2019). Collection method: clinical testing. Allele origin: unknown.
Comment: NM_000528.3(MAN2B1):c.1406G>A(W469*) is expected to be pathogenic in the context of alpha-mannosidosis. This variant is predicted to lead to an abnormal or absent protein product due to the creation of a premature termination codon in MAN2B1, a gene where loss-of-function variants are known to be pathogenic. Please note: this variant was assessed in the context of healthy population screening.

NM_000528.4(MAN2B1):c.1406G>A (p.Trp469Ter)

Genes: MAN2B1 (mannosidase alpha class 2B member 1; minus strand), LOC129391064 (MPRA-validated peak3365 silencer; plus strand). Cytogenetic location: 19p13.13.
Variant type: single nucleotide variant.
Coding change: c.1406G>A on transcript NM_000528.4 (MANE Select); coding-DNA position 1406, G replaced by A.
Protein change: p.Trp469Ter; replaces tryptophan 469 with a stop codon.
Molecular consequence: nonsense.
Genome position (GRCh38, 1-based): chr19:12,657,459, C>T on the plus strand (G>A on the coding strand, the complement: MAN2B1 is on the minus strand). VCF-style: chr19-12657459-C-T. GRCh37 (hg19) VCF-style: chr19-12768273-C-T.
Other names: c.1403G>A, p.Trp468Ter (NM_001173498.2); short protein forms W468*, W469*.
Identifiers: ClinVar variation 984240 (VCV000984240.3), dbSNP rs2023994563, ClinGen allele CA404246674.
Genomic context (GRCh38, chr19:12,657,459, plus strand): 5'-CCCTTCCTGTCTCCACCCCCGTGTCTCCCAAGTCTCGCCCCGCGCACCTCGCAAGGCCCC[C>T]AGCCTGCCGCAAGCTGGCGCGCGTAGTCGTTGGCCACGTGCTGGCGGGAGGTGCCGCTGA-3'